The following is an entry in ClinVar:

ClinVar aggregate classification (germline): Likely pathogenic (1 of 4 stars; one submission).

Conditions:
Glycine encephalopathy. Also called: Non-ketotic hyperglycinemia; Nonketotic hyperglycinemia. Identifiers: Orphanet 407, MedGen C0751748, MONDO:0011612, HP:0008288.

Submission:

Labcorp Genetics (formerly Invitae), Labcorp
Classification: Likely pathogenic for Glycine encephalopathy. Last evaluated: 2024-10-15. Review status: criteria provided, single submitter. Criteria: Invitae Variant Classification Sherloc (09022015). Collection method: clinical testing. Allele origin: germline.
Comment: This sequence change replaces histidine, which is basic and polar, with leucine, which is neutral and non-polar, at codon 760 of the GLDC protein (p.His760Leu). This variant is not present in population databases (gnomAD no frequency). This variant has not been reported in the literature in individuals affected with GLDC-related conditions. ClinVar contains an entry for this variant (Variation ID: 1485486). Invitae Evidence Modeling of protein sequence and biophysical properties (such as structural, functional, and spatial information, amino acid conservation, physicochemical variation, residue mobility, and thermodynamic stability) indicates that this missense variant is expected to disrupt GLDC protein function with a positive predictive value of 95%. This variant disrupts the p.His760 amino acid residue in GLDC. Other variant(s) that disrupt this residue have been observed in individuals with GLDC-related conditions (PMID: 25231368, 27362913), which suggests that this may be a clinically significant amino acid residue. In summary, the currently available evidence indicates that the variant is pathogenic, but additional data are needed to prove that conclusively. Therefore, this variant has been classified as Likely Pathogenic.

Literature cited by the submitters: PubMed 25231368; PubMed 27362913.

NM_000170.3(GLDC):c.2279A>T (p.His760Leu)

Gene: GLDC (glycine decarboxylase; minus strand). Cytogenetic location: 9p24.1.
Variant type: single nucleotide variant.
Coding change: c.2279A>T on transcript NM_000170.3 (MANE Select); coding-DNA position 2279, A replaced by T.
Protein change: p.His760Leu; replaces histidine 760 with leucine.
Molecular consequence: missense variant.
Genome position (GRCh38, 1-based): chr9:6,554,705, T>A on the plus strand (A>T on the coding strand, the complement: GLDC is on the minus strand). VCF-style: chr9-6554705-T-A. GRCh37 (hg19) VCF-style: chr9-6554705-T-A.
Other names: short protein forms H760L.
Identifiers: ClinVar variation 1485486 (VCV001485486.8), dbSNP rs1817583687, ClinGen allele CA372880170.